The following is an entry in ClinVar:

ClinVar aggregate classification (germline): Uncertain significance. Review status: criteria provided, multiple submitters, no conflicts (2 of 4 stars). 2 submissions from 2 submitters: Uncertain significance (2). Last evaluated 2025-11-11.

Conditions:
Autosomal dominant nonsyndromic hearing loss 1. Also called: DEAFNESS, AUTOSOMAL DOMINANT 1, WITH OR WITHOUT THROMBOCYTOPENIA; KONIGSMARK SYNDROME. Identifiers: Orphanet 90635, MedGen C1852282, MONDO:0007424, OMIM 124900.
Progressive microcephaly-seizures-cortical blindness-developmental delay syndrome. Also called: Seizures, cortical blindness, and microcephaly syndrome. Identifiers: Orphanet 477814, MedGen C5567650, MONDO:0014714, OMIM 616632.

Submissions (2):

Labcorp Genetics (formerly Invitae), Labcorp
Classification: Uncertain significance for Progressive microcephaly-seizures-cortical blindness-developmental delay syndrome; Autosomal dominant nonsyndromic hearing loss 1. Last evaluated: 2025-11-11. Review status: criteria provided, single submitter. Criteria: Invitae Variant Classification Sherloc (09022015). Collection method: clinical testing. Allele origin: germline.
Comment: This sequence change replaces isoleucine, which is neutral and non-polar, with threonine, which is neutral and polar, at codon 675 of the DIAPH1 protein (p.Ile675Thr). This variant is not present in population databases (gnomAD no frequency). This variant has not been reported in the literature in individuals affected with DIAPH1-related conditions. ClinVar contains an entry for this variant (Variation ID: 1371136). Experimental studies and prediction algorithms are not available or were not evaluated, and the functional significance of this variant is currently unknown. In summary, the available evidence is currently insufficient to determine the role of this variant in disease. Therefore, it has been classified as a Variant of Uncertain Significance.

Blueprint Genetics
Classification: Uncertain significance. Last evaluated: 2022-05-02. Review status: criteria provided, single submitter. Criteria: ACMG Guidelines, 2015. Collection method: clinical testing. Allele origin: germline.

NM_005219.5(DIAPH1):c.2024T>C (p.Ile675Thr)

Gene: DIAPH1 (diaphanous related formin 1; minus strand). Cytogenetic location: 5q31.3.
Variant type: single nucleotide variant.
Coding change: c.2024T>C on transcript NM_005219.5 (MANE Select); coding-DNA position 2024, T replaced by C.
Protein change: p.Ile675Thr; replaces isoleucine 675 with threonine.
Molecular consequence: missense variant.
Genome position (GRCh38, 1-based): chr5:141,573,826, A>G on the plus strand (T>C on the coding strand, the complement: DIAPH1 is on the minus strand). VCF-style: chr5-141573826-A-G. GRCh37 (hg19) VCF-style: chr5-140953393-A-G.
Other names: c.1997T>C, p.Ile666Thr (NM_001079812.3); c.2024T>C, p.Ile675Thr (NM_001314007.2); short protein forms I675T, I666T.
Identifiers: ClinVar variation 1371136 (VCV001371136.9), dbSNP rs2154596293, ClinGen allele CA361519048.